The following is an entry in ClinVar:

NM_000059.4(BRCA2):c.1912T>G (p.Leu638Val)

Gene: BRCA2 (BRCA2 DNA repair associated; plus strand). Cytogenetic location: 13q13.1.
Variant type: single nucleotide variant.
Coding change: c.1912T>G on transcript NM_000059.4 (MANE Select); coding-DNA position 1912, T replaced by G.
Protein change: p.Leu638Val; replaces leucine 638 with valine.
Molecular consequence: missense variant.
Genome position (GRCh38, 1-based): chr13:32,336,267, T>G. VCF-style: chr13-32336267-T-G. GRCh37 (hg19) VCF-style: chr13-32910404-T-G.
Other names: short protein forms L638V.
Identifiers: ClinVar variation 51227 (VCV000051227.18), dbSNP rs80358481, ClinGen allele CA013912.

ClinVar aggregate classification (germline): Conflicting classifications of pathogenicity. Review status: criteria provided, conflicting classifications (1 of 4 stars). 5 submissions from 5 submitters: Uncertain significance (2); Likely benign (2). 1 of the submissions does not count toward it. Last evaluated 2026-05-13.

Conditions:
Inherited breast cancer and ovarian cancer.
Hereditary cancer-predisposing syndrome. Also called: Neoplastic Syndromes, Hereditary; Hereditary neoplastic syndrome; Hereditary Cancer Syndrome; Tumor predisposition. Identifiers: Orphanet 140162, MedGen C0027672, MeSH D009386, MONDO:0015356.
Hereditary breast ovarian cancer syndrome. Also called: Hereditary breast and ovarian cancer syndrome (HBOC); BRCA1- and BRCA2-Associated Hereditary Breast and Ovarian Cancer; Hereditary breast and/or ovarian cancer syndrome; Breast and ovarian cancer; Hereditary breast and ovarian cancer syndrome; Hereditary breast and ovarian cancer. Identifiers: Orphanet 145, MedGen C0677776, MeSH D061325, MONDO:0003582. Disease mechanism: loss of function.
Breast-ovarian cancer, familial, susceptibility to, 2 (BROVCA2). Also called: BRCA2 Hereditary Breast and Ovarian Cancer. Identifiers: Orphanet 145, MedGen C2675520, MONDO:0012933, OMIM 612555. Disease mechanism: loss of function.

Allele frequency attached by ClinVar (database versions not stated): gnomAD exomes below 0.00001.
gnomAD v4.1: 4 of 1,601,764 alleles (0.00025%); highest among the groups gnomAD compares: Non-Finnish European, 0.00034%; no homozygotes.

Submissions (5):

Genomics and Molecular Medicine Service, East Genomic Laboratory Hub, NHS Genomic Medicine Service
Classification: Likely benign for Inherited breast cancer and ovarian cancer. Last evaluated: 2026-05-13. Review status: criteria provided, single submitter. Criteria: ACGS Best Practice Guidelines for Variant Classification in Rare Disease 2020. Collection method: clinical testing. Allele origin: germline. Affected: yes.
Comment: BP1_Strong,BP4

Labcorp Genetics (formerly Invitae), Labcorp
Classification: Uncertain significance for Hereditary breast ovarian cancer syndrome. Last evaluated: 2025-03-30. Review status: criteria provided, single submitter. Criteria: Invitae Variant Classification Sherloc (09022015). Collection method: clinical testing. Allele origin: germline.
Comment: This sequence change replaces leucine, which is neutral and non-polar, with valine, which is neutral and non-polar, at codon 638 of the BRCA2 protein (p.Leu638Val). This variant is present in population databases (rs80358481, gnomAD 0.0009%). This missense change has been observed in individual(s) with clinical features of BRCA2-related conditions (PMID: 10923033, 21520333). ClinVar contains an entry for this variant (Variation ID: 51227). An algorithm developed to predict the effect of missense changes on protein structure and function (PolyPhen-2) suggests that this variant is likely to be tolerated. In summary, the available evidence is currently insufficient to determine the role of this variant in disease. Therefore, it has been classified as a Variant of Uncertain Significance.

Ambry Genetics
Classification: Uncertain significance for Hereditary cancer-predisposing syndrome. Last evaluated: 2023-04-27. Review status: criteria provided, single submitter. Criteria: Ambry Variant Classification Scheme 2023. Collection method: clinical testing. Allele origin: germline.
Comment: The p.L638V variant (also known as c.1912T>G), located in coding exon 10 of the BRCA2 gene, results from a T to G substitution at nucleotide position 1912. The leucine at codon 638 is replaced by valine, an amino acid with highly similar properties. This amino acid position is not well conserved in available vertebrate species. In addition, this alteration is predicted to be tolerated by in silico analysis. Since supporting evidence is limited at this time, the clinical significance of this alteration remains unclear.

University of Washington Department of Laboratory Medicine, University of Washington
Classification: Likely benign for Hereditary cancer-predisposing syndrome. Last evaluated: 2023-03-23. Review status: criteria provided, single submitter. Criteria: Dines et al. (Genet Med. 2020). Collection method: curation. Allele origin: germline.
Comment: Missense variant in a coldspot region where missense variants are very unlikely to be pathogenic (PMID:31911673).

BRCA2 exon 11 coldspot. Reclassification based on statistical prior probability.

Breast Cancer Information Core (BIC) (BRCA2)
Classification: Uncertain significance for Breast-ovarian cancer, familial 2. Last evaluated: 1999-04-05. Review status: no assertion criteria provided. Collection method: clinical testing. Allele origin: germline. Affected: yes. Observed: 1 variant allele. Not counted in ClinVar's aggregate classification.

Literature cited by the submitters: PubMed 10923033 (cited by Labcorp Genetics (formerly Invitae), Labcorp); PubMed 21520333 (cited by Labcorp Genetics (formerly Invitae), Labcorp).